The following is an entry in ClinVar:

ClinVar aggregate classification (germline): Pathogenic (1 of 4 stars; one submission).

Conditions:
Fabry disease. Also called: Fabry's disease; ALPHA-GALACTOSIDASE A DEFICIENCY; ANDERSON-FABRY DISEASE; CERAMIDE TRIHEXOSIDASE DEFICIENCY; GLA DEFICIENCY; HEREDITARY DYSTOPIC LIPIDOSIS. Identifiers: Orphanet 324, MedGen C0002986, MONDO:0010526, OMIM 301500, HP:0001071. Disease mechanism: Fabry disease is due to inactivating mutations in the X-linked GLA gene resulting in deficiency of the enzyme Alpha Galactosidase-A., loss of function.

Submission:

Genomenon, Inc
Classification: Pathogenic for Fabry disease. Last evaluated: 2026-09-08. Review status: criteria provided, single submitter. Criteria: Genomenon Sequence Variant Interpretation Standards - Updated. Collection method: curation. Allele origin: germline. Affected: yes.
Comment: GLA p.Ser241GlufsTer9 (c.716dup) is a frameshift variant that is predicted to introduce a premature termination codon and result in a truncated or absent protein product. This variant has been observed in at least one proband with clinical features consistent with Fabry disease (PMID:28736719). It is absent or not present at a significant frequency in gnomAD. In conclusion, we classify GLA p.Ser241GlufsTer9 (c.716dup) as a pathogenic variant.

Literature cited by the submitters: PubMed 28736719.

NM_000169.3(GLA):c.716dup (p.Ser241fs)

Genes: GLA (galactosidase alpha; minus strand), RPL36A-HNRNPH2 (RPL36A-HNRNPH2 readthrough; plus strand). Cytogenetic location: Xq22.1.
Variant type: Duplication.
Coding change: c.716dup on transcript NM_000169.3 (MANE Select); coding-DNA position 716, one base duplicated (T; older notation c.716dupT).
Protein change: p.Ser241fs; shifts the reading frame from serine 241.
Molecular consequence: frameshift variant. On other transcripts: non-coding transcript variant (3), intron variant (2).
Genome position (GRCh38, 1-based): chrX:101,398,870, A duplicated on the plus strand (T on the coding strand, the reverse complement: GLA is on the minus strand). VCF-style (leftmost placement, unchanged base first): chrX-101398869-T-TA. GRCh37 (hg19) VCF-style: chrX-100653857-T-TA.
Other names: c.839dup, p.Ser282fs (NM_001406747.1); c.716dup, p.Ser241fs (NM_001406748.1); c.300+3413dup (NM_001199973.2); c.177+7048dup (NM_001199974.2); short protein forms S241fs, S282fs.
Identifiers: ClinVar variation 4974917 (VCV004974917.1).